The following is an entry in ClinVar:

ClinVar aggregate classification (germline): Likely pathogenic (1 of 4 stars; one submission).

Conditions:
Multiple acyl-CoA dehydrogenase deficiency (MADD). Also called: Glutaric acidemia type II; GA 2; Glutaric aciduria, type 2; ETHYLMALONIC-ADIPICACIDURIA; GA II; Glutaric Acidemia type 2. Identifiers: Orphanet 26791, MedGen C0268596, MONDO:0009282, OMIM 231680.

Allele frequency attached by ClinVar (database versions not stated): gnomAD 0.00001; TOPMed 0.00001.

Submission:

Labcorp Genetics (formerly Invitae), Labcorp
Classification: Likely pathogenic for Multiple acyl-CoA dehydrogenase deficiency. Last evaluated: 2023-07-30. Review status: criteria provided, single submitter. Criteria: Invitae Variant Classification Sherloc (09022015). Collection method: clinical testing. Allele origin: germline.
Comment: This sequence change replaces tryptophan, which is neutral and slightly polar, with arginine, which is basic and polar, at codon 57 of the ETFDH protein (p.Trp57Arg). This variant is not present in population databases (gnomAD no frequency). This missense change has been observed in individual(s) with clinical features of multiple acyl-CoA dehydrogenase deficiency (Invitae). In at least one individual the data is consistent with being in trans (on the opposite chromosome) from a pathogenic variant. ClinVar contains an entry for this variant (Variation ID: 1487240). Advanced modeling of protein sequence and biophysical properties (such as structural, functional, and spatial information, amino acid conservation, physicochemical variation, residue mobility, and thermodynamic stability) performed at Invitae indicates that this missense variant is expected to disrupt ETFDH protein function. In summary, the currently available evidence indicates that the variant is pathogenic, but additional data are needed to prove that conclusively. Therefore, this variant has been classified as Likely Pathogenic.

NM_004453.4(ETFDH):c.169T>C (p.Trp57Arg)

Gene: ETFDH (electron transfer flavoprotein dehydrogenase; plus strand). Cytogenetic location: 4q32.1.
Variant type: single nucleotide variant.
Coding change: c.169T>C on transcript NM_004453.4 (MANE Select); coding-DNA position 169, T replaced by C.
Protein change: p.Trp57Arg; replaces tryptophan 57 with arginine.
Molecular consequence: missense variant. On other transcripts: intron variant (1).
Genome position (GRCh38, 1-based): chr4:158,680,601, T>C. VCF-style: chr4-158680601-T-C. GRCh37 (hg19) VCF-style: chr4-159601753-T-C.
Other names: c.35-1594T>C (NM_001281737.2); short protein forms W57R.
Identifiers: ClinVar variation 1487240 (VCV001487240.8), dbSNP rs1773829495, ClinGen allele CA358573592.